The following is an entry in ClinVar:

NM_000257.4(MYH7):c.1695G>A (p.Lys565=)

Gene: MYH7 (myosin heavy chain 7; minus strand). Cytogenetic location: 14q11.2.
Variant type: single nucleotide variant.
Coding change: c.1695G>A on transcript NM_000257.4 (MANE Select); coding-DNA position 1695, G replaced by A.
Protein change: p.Lys565=; no amino-acid change (lysine 565 retained).
Molecular consequence: synonymous variant.
Genome position (GRCh38, 1-based): chr14:23,427,778, C>T on the plus strand (G>A on the coding strand, the complement: MYH7 is on the minus strand). VCF-style: chr14-23427778-C-T. GRCh37 (hg19) VCF-style: chr14-23896987-C-T.
Other names: c.1695G>A, p.Lys565= (NM_001407004.1).
Identifiers: ClinVar variation 3387349 (VCV003387349.1).

ClinVar aggregate classification (germline): Likely benign (1 of 4 stars; one submission).

Conditions:
Cardiomyopathy (CMYO). Also called: Cardiomyopathies. Identifiers: Orphanet 167848, MedGen C0878544, MONDO:0004994, HP:0001638. Inheritance: Various modes of inheritance.

Submission:

All of Us Research Program, National Institutes of Health
Classification: Likely benign for Cardiomyopathy. Last evaluated: 2024-04-25. Review status: criteria provided, single submitter. Criteria: ACMG Guidelines, 2015. Collection method: clinical testing. Allele origin: germline. Inheritance: Autosomal dominant inheritance. Observed: 1 variant allele, 1 heterozygote.
Comment: This study involves interpretation of variants in research participants for the purpose of population health screening. Participant phenotype was not available at the time of variant classification. Additional details can be found in publication PMID: 35346344, PMCID: PMC8962531